The following is an entry in ClinVar:

NC_012920.1(MT-ND1):m.3866T>C

Gene: MT-ND1 (mitochondrially encoded NADH dehydrogenase 1; plus strand).
Variant type: single nucleotide variant.
Genome position: chrM-3866-T-C.
Identifiers: ClinVar variation 692404 (VCV000692404.2), dbSNP rs200479541, ClinGen allele CA337096707.

ClinVar aggregate classification (germline): Benign. Review status: criteria provided, multiple submitters, no conflicts (2 of 4 stars). 2 submissions from 2 submitters: Benign (2). Last evaluated 2019-10-17.

Conditions:
Leigh syndrome (NULS). Also called: Leigh's necrotizing encephalopathy; Leigh's disease; Leigh Syndrome (mtDNA deletion); Leigh Disease; Subacute necrotizing encephalopathy; Necrotizing encephalopathy infantile subacute of Leigh. Identifiers: Orphanet 506, MedGen C2931891, MONDO:0009723, OMIM 256000.

Submissions (2):

Wong Mito Lab, Molecular and Human Genetics, Baylor College of Medicine
Classification: Benign for Leigh syndrome. Last evaluated: 2019-10-17. Review status: criteria provided, single submitter. Criteria: Modified ACMG Guidelines (Unpublished). Collection method: clinical testing. Allele origin: germline.
Comment: The NC_012920.1:m.3866T>C (YP_003024026.1:p.Ile187Thr) variant in MTND1 gene is interpretated to be a Benign variant based on the modified ACMG guidelines (unpublished). This variant meets the following evidence codes: BS1, BS2, BP4

Breakthrough Genomics
Classification: Benign. Review status: criteria provided, single submitter. Criteria: ACMG Guidelines, 2015. Collection method: not provided. Allele origin: germline. Inheritance: Unknown mechanism. Affected: yes.

Literature cited by the submitters: PubMed 15896721 (cited by Wong Mito Lab, Molecular and Human Genetics, Baylor College of Medicine).